The following is an entry in ClinVar:

NM_000503.6(EYA1):c.883T>G (p.Leu295Val)

Gene: EYA1 (EYA transcriptional coactivator and phosphatase 1; minus strand). Cytogenetic location: 8q13.3.
Variant type: single nucleotide variant.
Coding change: c.883T>G on transcript NM_000503.6 (MANE Select); coding-DNA position 883, T replaced by G.
Protein change: p.Leu295Val; replaces leucine 295 with valine.
Molecular consequence: missense variant.
Genome position (GRCh38, 1-based): chr8:71,271,841, A>C on the plus strand (T>G on the coding strand, the complement: EYA1 is on the minus strand). VCF-style: chr8-71271841-A-C. GRCh37 (hg19) VCF-style: chr8-72184076-A-C.
Other names: c.865T>G, p.Leu289Val (NM_001288574.2); c.517T>G, p.Leu173Val (NM_001288575.2); c.970T>G, p.Leu324Val (NM_001370333.1); c.883T>G, p.Leu295Val (NM_001370334.1, NM_001370335.1, NM_172058.4); c.952T>G, p.Leu318Val (NM_001370336.1); c.784T>G, p.Leu262Val (NM_001411797.1, NM_172060.4); c.955T>G, p.Leu319Val (NM_172059.5); short protein forms L173V, L262V, L289V, L295V, L318V, L319V, L324V.
Identifiers: ClinVar variation 3365947 (VCV003365947.1).

ClinVar aggregate classification (germline): Uncertain significance (1 of 4 stars; one submission).

Submission:

GeneDx
Classification: Uncertain significance. Last evaluated: 2024-01-02. Review status: criteria provided, single submitter. Criteria: GeneDx Variant Classification Process June 2021. Collection method: clinical testing. Allele origin: germline. Affected: yes.
Comment: Not observed at significant frequency in large population cohorts (gnomAD); In silico analysis supports that this missense variant does not alter protein structure/function; Has not been previously published as pathogenic or benign to our knowledge